The following is an entry in ClinVar:

NM_017637.6(BNC2):c.2833C>T (p.His945Tyr)

Gene: BNC2 (basonuclin zinc finger protein 2; minus strand). Cytogenetic location: 9p22.3.
Variant type: single nucleotide variant.
Coding change: c.2833C>T on transcript NM_017637.6 (MANE Select); coding-DNA position 2833, C replaced by T.
Protein change: p.His945Tyr; replaces histidine 945 with tyrosine.
Molecular consequence: missense variant. On other transcripts: 3 prime UTR variant (1).
Genome position (GRCh38, 1-based): chr9:16,419,456, G>A on the plus strand (C>T on the coding strand, the complement: BNC2 is on the minus strand). VCF-style: chr9-16419456-G-A. GRCh37 (hg19) VCF-style: chr9-16419454-G-A.
Other names: c.*177C>T (NM_001317939.2); c.2548C>T, p.His850Tyr (NM_001317940.2); short protein forms H945Y, H850Y.
Identifiers: ClinVar variation 4782041 (VCV004782041.1).

ClinVar aggregate classification (germline): Uncertain significance (1 of 4 stars; one submission).

gnomAD v4.1: 3 of 1,613,336 alleles (0.00019%); highest among the groups gnomAD compares: Non-Finnish European, 0.00025%; no homozygotes.

Submission:

Labcorp Genetics (formerly Invitae), Labcorp
Classification: Uncertain significance. Last evaluated: 2025-08-18. Review status: criteria provided, single submitter. Criteria: Invitae Variant Classification Sherloc (09022015). Collection method: clinical testing. Allele origin: germline.
Comment: This sequence change replaces histidine, which is basic and polar, with tyrosine, which is neutral and polar, at codon 945 of the BNC2 protein (p.His945Tyr). This variant is not present in population databases (gnomAD no frequency). This variant has not been reported in the literature in individuals affected with BNC2-related conditions. An algorithm developed to predict the effect of missense changes on protein structure and function (PolyPhen-2) suggests that this variant is likely to be tolerated. In summary, the available evidence is currently insufficient to determine the role of this variant in disease. Therefore, it has been classified as a Variant of Uncertain Significance.